The following is an entry in ClinVar:

ClinVar aggregate classification (germline): Uncertain significance (1 of 4 stars; one submission).

Conditions:
Hereditary cancer-predisposing syndrome. Also called: Neoplastic Syndromes, Hereditary; Tumor predisposition; Hereditary Cancer Syndrome; Hereditary neoplastic syndrome. Identifiers: Orphanet 140162, MedGen C0027672, MeSH D009386, MONDO:0015356.

Submission:

Color Diagnostics, LLC DBA Color Health
Classification: Uncertain significance for Hereditary cancer-predisposing syndrome. Last evaluated: 2023-12-04. Review status: criteria provided, single submitter. Criteria: ACMG Guidelines, 2015. Collection method: clinical testing. Allele origin: germline.
Comment: This missense variant replaces leucine with phenylalanine at codon 743 of the MSH6 protein. Computational prediction suggests that this variant may have deleterious impact on protein structure and function (internally defined REVEL score threshold >= 0.7, PMID: 27666373). To our knowledge, functional studies have not been reported for this variant. This variant has not been reported in individuals affected with MSH6-related disorders in the literature. This variant has not been identified in the general population by the Genome Aggregation Database (gnomAD). The available evidence is insufficient to determine the role of this variant in disease conclusively. Therefore, this variant is classified as a Variant of Uncertain Significance.

NM_000179.3(MSH6):c.2229G>C (p.Leu743Phe)

Gene: MSH6 (mutS homolog 6; plus strand). Cytogenetic location: 2p16.3.
Variant type: single nucleotide variant.
Coding change: c.2229G>C on transcript NM_000179.3 (MANE Select); coding-DNA position 2229, G replaced by C.
Protein change: p.Leu743Phe; replaces leucine 743 with phenylalanine.
Molecular consequence: missense variant.
Genome position (GRCh38, 1-based): chr2:47,800,212, G>C. VCF-style: chr2-47800212-G-C. GRCh37 (hg19) VCF-style: chr2-48027351-G-C.
Other names: c.1839G>C, p.Leu613Phe (NM_001281492.2); c.1323G>C, p.Leu441Phe (NM_001281493.2, NM_001281494.2); short protein forms L743F, L441F, L613F.
Identifiers: ClinVar variation 922979 (VCV000922979.4), dbSNP rs1057521504, ClinGen allele CA346752494.
Genomic context (GRCh38, chr2:47,800,212, plus strand): 5'-TGCTATCTTCACCAAAGCCTATCAACGAATGGTGCTAGATGCAGTGACATTAAACAACTT[G>C]GAGATTTTTCTGAATGGAACAAATGGTTCTACTGAAGGAACCCTACTAGAGAGGGTTGAT-3'
Protein context (NP_000170.1, residues 733-753): MVLDAVTLNN[Leu743Phe]EIFLNGTNGS